The following is an entry in ClinVar:

NM_022168.4(IFIH1):c.2744G>C (p.Cys915Ser)

Gene: IFIH1 (interferon induced with helicase C domain 1; minus strand). Cytogenetic location: 2q24.2.
Variant type: single nucleotide variant.
Coding change: c.2744G>C on transcript NM_022168.4 (MANE Select); coding-DNA position 2744, G replaced by C.
Protein change: p.Cys915Ser; replaces cysteine 915 with serine.
Molecular consequence: missense variant.
Genome position (GRCh38, 1-based): chr2:162,268,150, C>G on the plus strand (G>C on the coding strand, the complement: IFIH1 is on the minus strand). VCF-style: chr2-162268150-C-G. GRCh37 (hg19) VCF-style: chr2-163124660-C-G.
Other names: short protein forms C915S.
Identifiers: ClinVar variation 1303753 (VCV001303753.2), dbSNP rs2105187782, ClinGen allele CA348990905.

ClinVar aggregate classification (germline): Uncertain significance (1 of 4 stars; one submission).

Submission:

GeneDx
Classification: Uncertain significance. Last evaluated: 2019-08-15. Review status: criteria provided, single submitter. Criteria: GeneDx Variant Classification Process June 2021. Collection method: clinical testing. Allele origin: germline. Affected: yes.
Comment: Not observed in large population cohorts (Lek et al., 2016); In silico analysis, which includes protein predictors and evolutionary conservation, supports a deleterious effect; Has not been previously published as pathogenic or benign to our knowledge